The following is an entry in ClinVar:

ClinVar aggregate classification (germline): Uncertain significance (1 of 4 stars; one submission).

Conditions:
Hereditary cancer-predisposing syndrome. Also called: Neoplastic Syndromes, Hereditary; Tumor predisposition; Hereditary Cancer Syndrome; Hereditary neoplastic syndrome. Identifiers: Orphanet 140162, MedGen C0027672, MeSH D009386, MONDO:0015356.

Submission:

Ambry Genetics
Classification: Uncertain significance for Hereditary cancer-predisposing syndrome. Last evaluated: 2026-01-14. Review status: criteria provided, single submitter. Criteria: Ambry Variant Classification Scheme 2023. Collection method: clinical testing. Allele origin: germline.
Comment: The p.L986F variant (also known as c.2958A>C), located in coding exon 13 of the MET gene, results from an A to C substitution at nucleotide position 2958. The leucine at codon 986 is replaced by phenylalanine, an amino acid with highly similar properties. This amino acid position is conserved. In addition, this alteration is predicted to be tolerated by in silico analysis. Based on the available evidence, the clinical significance of this variant remains unclear.

NM_000245.4(MET):c.2904A>C (p.Leu968Phe)

Gene: MET (MET proto-oncogene, receptor tyrosine kinase; plus strand). Cytogenetic location: 7q31.2.
Variant type: single nucleotide variant.
Coding change: c.2904A>C on transcript NM_000245.4 (MANE Select); coding-DNA position 2904, A replaced by C.
Protein change: p.Leu968Phe; replaces leucine 968 with phenylalanine.
Molecular consequence: missense variant.
Genome position (GRCh38, 1-based): chr7:116,771,865, A>C. VCF-style: chr7-116771865-A-C. GRCh37 (hg19) VCF-style: chr7-116411919-A-C.
Other names: c.2958A>C, p.Leu986Phe (NM_001127500.3); c.1614A>C, p.Leu538Phe (NM_001324402.2); short protein forms L986F, L968F, L538F.
Identifiers: ClinVar variation 4843777 (VCV004843777.1).
Genomic context (GRCh38, chr7:116,771,865, plus strand): 5'-TGATAGCCGTCTTTAACAAGCTCTTTCTTTCTCTCTGTTTTAAGATCTGGGCAGTGAATT[A>C]GTTCGCTACGATGCAAGAGTACACACTCCTCATTTGGATAGGCTTGTAAGTGCCCGAAGT-3'
Protein context (NP_000236.2, residues 958-978): RKQIKDLGSE[Leu968Phe]VRYDARVHTP